The following is an entry in ClinVar:

NM_006231.4(POLE):c.3914G>C (p.Gly1305Ala)

Gene: POLE (DNA polymerase epsilon, catalytic subunit; minus strand). Cytogenetic location: 12q24.33.
Variant type: single nucleotide variant.
Coding change: c.3914G>C on transcript NM_006231.4 (MANE Select); coding-DNA position 3914, G replaced by C.
Protein change: p.Gly1305Ala; replaces glycine 1305 with alanine.
Molecular consequence: missense variant.
Genome position (GRCh38, 1-based): chr12:132,649,397, C>G on the plus strand (G>C on the coding strand, the complement: POLE is on the minus strand). VCF-style: chr12-132649397-C-G. GRCh37 (hg19) VCF-style: chr12-133225983-C-G.
Other names: short protein forms G1305A.
Identifiers: ClinVar variation 240490 (VCV000240490.10), dbSNP rs761617609, ClinGen allele CA10582998.

ClinVar aggregate classification (germline): Uncertain significance. Review status: criteria provided, multiple submitters, no conflicts (2 of 4 stars). 2 submissions from 2 submitters: Uncertain significance (2). Last evaluated 2023-07-09.

Conditions:
Hereditary cancer-predisposing syndrome. Also called: Tumor predisposition; Neoplastic Syndromes, Hereditary; Hereditary Cancer Syndrome; Hereditary neoplastic syndrome. Identifiers: Orphanet 140162, MedGen C0027672, MeSH D009386, MONDO:0015356.

Submissions (2):

Ambry Genetics
Classification: Uncertain significance for Hereditary cancer-predisposing syndrome. Last evaluated: 2023-07-09. Review status: criteria provided, single submitter. Criteria: Ambry Variant Classification Scheme 2023. Collection method: clinical testing. Allele origin: germline.
Comment: The p.G1305A variant (also known as c.3914G>C), located in coding exon 31 of the POLE gene, results from a G to C substitution at nucleotide position 3914. The glycine at codon 1305 is replaced by alanine, an amino acid with similar properties. This amino acid position is conserved. In addition, this alteration is predicted to be tolerated by in silico analysis. Since supporting evidence is limited at this time, the clinical significance of this alteration remains unclear.

Labcorp Genetics (formerly Invitae), Labcorp
Classification: Uncertain significance. Last evaluated: 2020-08-29. Review status: criteria provided, single submitter. Criteria: Invitae Variant Classification Sherloc (09022015). Collection method: clinical testing. Allele origin: germline.
Comment: In summary, the available evidence is currently insufficient to determine the role of this variant in disease. Therefore, it has been classified as a Variant of Uncertain Significance. Algorithms developed to predict the effect of missense changes on protein structure and function output the following: SIFT: "Deleterious"; PolyPhen-2: "Not Available"; Align-GVGD: "Class C0". The alanine amino acid residue is found in multiple mammalian species, suggesting that this missense change does not adversely affect protein function. These predictions have not been confirmed by published functional studies and their clinical significance is uncertain. This variant has not been reported in the literature in individuals with POLE-related conditions. ClinVar contains an entry for this variant (Variation ID: 240490). This variant is not present in population databases (ExAC no frequency). This sequence change replaces glycine with alanine at codon 1305 of the POLE protein (p.Gly1305Ala). The glycine residue is moderately conserved and there is a small physicochemical difference between glycine and alanine.